The following is an entry in ClinVar:

ClinVar aggregate classification (germline): Likely benign. Review status: criteria provided, multiple submitters, no conflicts (2 of 4 stars). 4 submissions from 4 submitters: Likely benign (4). Last evaluated 2025-08-19.

Conditions:
Cardiac arrhythmia. Also called: Cardiac rhythm disease; Arrhythmia. Identifiers: MedGen C0003811, MONDO:0007263, HP:0011675.
Cardiovascular phenotype. Identifiers: MedGen CN230736.
Long QT syndrome (LQTS). Identifiers: MedGen C0023976, MeSH D008133, MONDO:0002442. Disease mechanism: loss of function. Inheritance: Various modes of inheritance.

Allele frequency attached by ClinVar (database versions not stated): TOPMed below 0.00001; ExAC 0.00001; gnomAD exomes below 0.00001 and 0.00001; gnomAD 0.00001.

Submissions (4):

Ambry Genetics
Classification: Likely benign for Cardiovascular phenotype. Last evaluated: 2025-08-19. Review status: criteria provided, single submitter. Criteria: Ambry Variant Classification Scheme 2023. Collection method: clinical testing. Allele origin: germline.

Labcorp Genetics (formerly Invitae), Labcorp
Classification: Likely benign for Long QT syndrome. Last evaluated: 2024-06-04. Review status: criteria provided, single submitter. Criteria: Invitae Variant Classification Sherloc (09022015). Collection method: clinical testing. Allele origin: germline.

All of Us Research Program, National Institutes of Health
Classification: Likely benign for Long QT syndrome. Last evaluated: 2023-12-13. Review status: criteria provided, single submitter. Criteria: ACMG Guidelines, 2015. Collection method: clinical testing. Allele origin: germline. Inheritance: Autosomal dominant inheritance. Observed: 4 variant alleles, 4 heterozygotes.
Comment: This study involves interpretation of variants in research participants for the purpose of population health screening. Participant phenotype was not available at the time of variant classification. Additional details can be found in publication PMID: 35346344, PMCID: PMC8962531

Color Diagnostics, LLC DBA Color Health
Classification: Likely benign for Cardiac arrhythmia. Last evaluated: 2023-05-03. Review status: criteria provided, single submitter. Criteria: ACMG Guidelines, 2015. Collection method: clinical testing. Allele origin: germline.

NM_000238.4(KCNH2):c.2604C>T (p.Ile868=)

Gene: KCNH2 (potassium voltage-gated channel subfamily H member 2; minus strand). Cytogenetic location: 7q36.1.
Variant type: single nucleotide variant.
Coding change: c.2604C>T on transcript NM_000238.4 (MANE Select); coding-DNA position 2604, C replaced by T.
Protein change: p.Ile868=; no amino-acid change (isoleucine 868 retained).
Molecular consequence: synonymous variant.
Genome position (GRCh38, 1-based): chr7:150,948,532, G>A on the plus strand (C>T on the coding strand, the complement: KCNH2 is on the minus strand). VCF-style: chr7-150948532-G-A. GRCh37 (hg19) VCF-style: chr7-150645620-G-A.
Other names: c.1584C>T, p.Ile528= (NM_172057.3); c.2604C>T (NM_000238.3).
Identifiers: ClinVar variation 1130838 (VCV001130838.11), dbSNP rs764083249, ClinGen allele CA033422.
Genomic context (GRCh38, chr7:150,948,532, plus strand): 5'-CTTGCGCTTGCGTTGCCGACTGAAGCCACCCTCTAACTCCGTACTGCCGGGGGAGCCCGG[G>A]ATCATGTTGGTCTGGAACCAAAATCAGTATCAGGGCCCTTTCAGTGCTCTCCTGCCCCAC-3'
Protein context (NP_000229.1, residues 858-878): ITFNLRDTNM[Ile868=]PGSPGSTELE